The following is an entry in ClinVar:

NM_001376.5(DYNC1H1):c.2624C>T (p.Ser875Leu)

Gene: DYNC1H1 (dynein cytoplasmic 1 heavy chain 1; plus strand). Cytogenetic location: 14q32.31.
Variant type: single nucleotide variant.
Coding change: c.2624C>T on transcript NM_001376.5 (MANE Select); coding-DNA position 2624, C replaced by T.
Protein change: p.Ser875Leu; replaces serine 875 with leucine.
Molecular consequence: missense variant.
Genome position (GRCh38, 1-based): chr14:101,987,538, C>T. VCF-style: chr14-101987538-C-T. GRCh37 (hg19) VCF-style: chr14-102453875-C-T.
Other names: short protein forms S875L.
Identifiers: ClinVar variation 1198839 (VCV001198839.5), dbSNP rs184868637, ClinGen allele CA7351855.

ClinVar aggregate classification (germline): Conflicting classifications of pathogenicity. Review status: criteria provided, conflicting classifications (1 of 4 stars). 2 submissions from 2 submitters: Uncertain significance (1); Likely benign (1). Last evaluated 2025-08-04.

Conditions:
Charcot-Marie-Tooth disease axonal type 2O. Also called: Charcot-Marie-Tooth Neuropathy Type 2O; Charcot-Marie-Tooth disease, axonal, type 20; CHARCOT-MARIE-TOOTH NEUROPATHY, AXONAL, TYPE 2O; CHARCOT-MARIE-TOOTH DISEASE, AXONAL, AUTOSOMAL DOMINANT, TYPE 2O. Identifiers: Orphanet 284232, MedGen C3280220, MONDO:0013644, OMIM 614228.

Allele frequency attached by ClinVar (database versions not stated): TOPMed 0.00002; 1000 Genomes Project 0.00020; gnomAD exomes 0.00002; 1000 Genomes Project 30x 0.00031; ExAC 0.00002; gnomAD 0.00003.
gnomAD v4.1: 10 of 1,614,098 alleles (0.00062%); highest among the groups gnomAD compares: Admixed American, 0.0067%; no homozygotes.

Submissions (2):

Labcorp Genetics (formerly Invitae), Labcorp
Classification: Likely benign for Charcot-Marie-Tooth disease axonal type 2O. Last evaluated: 2025-08-04. Review status: criteria provided, single submitter. Criteria: Invitae Variant Classification Sherloc (09022015). Collection method: clinical testing. Allele origin: germline.

GeneDx
Classification: Uncertain significance. Last evaluated: 2020-11-30. Review status: criteria provided, single submitter. Criteria: GeneDx Variant Classification Process June 2021. Collection method: clinical testing. Allele origin: germline. Affected: yes.
Comment: In silico analysis supports that this missense variant has a deleterious effect on protein structure/function; Has not been previously published as pathogenic or benign to our knowledge